The following is an entry in ClinVar:

ClinVar aggregate classification (germline): Uncertain significance (1 of 4 stars; one submission).

Submission:

GeneDx
Classification: Uncertain significance. Last evaluated: 2020-10-15. Review status: criteria provided, single submitter. Criteria: GeneDx Variant Classification Process June 2021. Collection method: clinical testing. Allele origin: germline. Affected: yes.
Comment: Not observed in large population cohorts (Lek et al., 2016); In silico analysis supports that this missense variant has a deleterious effect on protein structure/function; Has not been previously published as pathogenic or benign to our knowledge

NM_004171.4(SLC1A2):c.1231T>G (p.Phe411Val)

Gene: SLC1A2 (solute carrier family 1 member 2; minus strand). Cytogenetic location: 11p13.
Variant type: single nucleotide variant.
Coding change: c.1231T>G on transcript NM_004171.4 (MANE Select); coding-DNA position 1231, T replaced by G.
Protein change: p.Phe411Val; replaces phenylalanine 411 with valine.
Molecular consequence: missense variant.
Genome position (GRCh38, 1-based): chr11:35,286,812, A>C on the plus strand (T>G on the coding strand, the complement: SLC1A2 is on the minus strand). VCF-style: chr11-35286812-A-C. GRCh37 (hg19) VCF-style: chr11-35308359-A-C.
Other names: c.1204T>G, p.Phe402Val (NM_001195728.3, NM_001252652.2); short protein forms F402V, F411V.
Identifiers: ClinVar variation 1312594 (VCV001312594.2), dbSNP rs2134718012, ClinGen allele CA380122786.